The following is an entry in ClinVar:

NM_000548.5(TSC2):c.5086dup (p.Asp1696fs)

Gene: TSC2 (TSC complex subunit 2; plus strand). Cytogenetic location: 16p13.3.
Variant type: Duplication.
Coding change: c.5086dup on transcript NM_000548.5 (MANE Select); coding-DNA position 5086, one base duplicated (G; older notation c.5086dupG).
Protein change: p.Asp1696fs; shifts the reading frame from aspartic acid 1696.
Molecular consequence: frameshift variant.
Genome position (GRCh38, 1-based): chr16:2,088,065, G duplicated; the last of 2 consecutive G bases (chr16:2,088,064-2,088,065); duplicating either gives the same sequence. VCF-style (leftmost placement, unchanged base first): chr16-2088063-T-TG. GRCh37 (hg19) VCF-style: chr16-2138064-T-TG.
Other names: c.4885dup, p.Asp1629fs (NM_001077183.3); c.5017dup, p.Asp1673fs (NM_001114382.3); c.4777dup, p.Asp1593fs (NM_001318827.2); c.4741dup, p.Asp1581fs (NM_001318829.2); c.4354dup, p.Asp1452fs (NM_001318831.2); c.4918dup, p.Asp1640fs (NM_001318832.2); c.4888dup, p.Asp1630fs (NM_001363528.2); c.4954dup, p.Asp1652fs (NM_001370404.1); and 1 more; short protein forms D1452fs, D1581fs, D1593fs, D1629fs, D1630fs, D1640fs, D1652fs, D1653fs.
Identifiers: ClinVar variation 1204741 (VCV001204741.3), dbSNP rs2151620335, ClinGen allele CA2499223352.

ClinVar aggregate classification (germline): Pathogenic (1 of 4 stars; one submission).

Submission:

GeneDx
Classification: Pathogenic. Last evaluated: 2019-12-11. Review status: criteria provided, single submitter. Criteria: GeneDx Variant Classification Process June 2021. Collection method: clinical testing. Allele origin: germline. Affected: yes.
Comment: Frameshift variant predicted to result in protein truncation or nonsense mediated decay in a gene for which loss-of-function is a known mechanism of disease; Not observed in large population cohorts (Lek et al., 2016); Has not been previously published as pathogenic or benign to our knowledge